The following is an entry in ClinVar:

ClinVar aggregate classification (germline): Uncertain significance (1 of 4 stars; one submission).

Conditions:
Catecholaminergic polymorphic ventricular tachycardia 1. Also called: VENTRICULAR TACHYCARDIA, CATECHOLAMINERGIC POLYMORPHIC, 1, WITH OR WITHOUT ATRIAL DYSFUNCTION AND/OR DILATED CARDIOMYOPATHY; RYR2-Related Catecholaminergic Polymorphic Ventricular Tachycardia; VENTRICULAR TACHYCARDIA, STRESS-INDUCED POLYMORPHIC 1. Identifiers: Orphanet 3286, MedGen C1631597, MONDO:0011484, OMIM 604772.

Submission:

Labcorp Genetics (formerly Invitae), Labcorp
Classification: Uncertain significance for Catecholaminergic polymorphic ventricular tachycardia 1. Last evaluated: 2018-08-30. Review status: criteria provided, single submitter. Criteria: Invitae Variant Classification Sherloc (09022015). Collection method: clinical testing. Allele origin: germline.
Comment: This sequence change falls in intron 34 of the RYR2 gene. It does not directly change the encoded amino acid sequence of the RYR2 protein, but it affects a nucleotide within the consensus splice site of the intron. The frequency data for this variant in the population databases is considered unreliable, as metrics indicate poor data quality at this position in the ExAC database. This variant has not been reported in the literature in individuals with RYR2-related disease. ClinVar contains an entry for this variant (Variation ID: 238234). Nucleotide substitutions within the consensus splice site are a relatively common cause of aberrant splicing (PMID: 17576681, 9536098). Algorithms developed to predict the effect of sequence changes on RNA splicing suggest that this variant is not likely to affect RNA splicing, but this prediction has not been confirmed by published transcriptional studies. In summary, the available evidence is currently insufficient to determine the role of this variant in disease. Therefore, it has been classified as a Variant of Uncertain Significance.

Literature cited by the submitters: PubMed 17576681; PubMed 9536098.

NM_001035.3(RYR2):c.4596+3_4596+9del

Gene: RYR2 (ryanodine receptor 2; plus strand). Cytogenetic location: 1q43.
Variant type: Deletion.
Coding change: c.4596+3_4596+9del on transcript NM_001035.3 (MANE Select); bases 3 to 9 of the intron after coding-DNA position 4596, 7 bases deleted (ACGCGGT; older notation c.4596+3_4596+9delACGCGGT).
Molecular consequence: splice donor variant.
Genome position (GRCh38, 1-based): chr1:237,595,660-237,595,666, ACGCGGT deleted; deleting any 7 consecutive bases within chr1:237,595,657-237,595,666 gives the same sequence; the c. name uses the placement nearest the transcript's 3' end. VCF-style (leftmost placement, unchanged base first): chr1-237595656-AGGTACGC-A. GRCh37 (hg19) VCF-style: chr1-237758956-AGGTACGC-A.
Other names: c.4596+3_4596+9delACGCGGT (NM_001035.2).
Identifiers: ClinVar variation 238234 (VCV000238234.7), dbSNP rs878854157, ClinGen allele CA1474936.